The following is an entry in ClinVar:

NM_000540.3(RYR1):c.9472+1G>A

Gene: RYR1 (ryanodine receptor 1; plus strand). Cytogenetic location: 19q13.2.
Variant type: single nucleotide variant.
Coding change: c.9472+1G>A on transcript NM_000540.3 (MANE Select); the canonical splice donor site of the intron after coding-DNA position 9472, G replaced by A.
Molecular consequence: splice donor variant.
Genome position (GRCh38, 1-based): chr19:38,512,484, G>A. VCF-style: chr19-38512484-G-A. GRCh37 (hg19) VCF-style: chr19-39003124-G-A.
Other names: c.9472+1G>A (NM_001042723.2).
Identifiers: ClinVar variation 451330 (VCV000451330.23), dbSNP rs776697656, ClinGen allele CA073621.

ClinVar aggregate classification (germline): Pathogenic. Review status: reviewed by expert panel (3 of 4 stars). 10 submissions from 10 submitters: Pathogenic (1). 9 of the submissions do not count toward it. Last evaluated 2024-08-07.

Conditions:
Inborn genetic diseases. Identifiers: MedGen C0950123, MeSH D030342.
Central core myopathy (CMYO1A). Also called: Central core disease; Myopathy, central fibrillar; CONGENITAL MYOPATHY 1A, AUTOSOMAL DOMINANT, WITH SUSCEPTIBILITY TO MALIGNANT HYPERTHERMIA. Identifiers: Orphanet 597, MedGen C5830701, MONDO:0007294, OMIM 117000.
Congenital multicore myopathy with external ophthalmoplegia (CMYO1B). Also called: Congenital myopathy 1B, autosomal recessive; Minicore myopathy; MULTICORE MYOPATHY; Minicore myopathy with external ophthalmoplegia; MULTIMINICORE DISEASE WITH EXTERNAL OPHTHALMOPLEGIA. Identifiers: Orphanet 598, Orphanet 98905, MedGen C1850674, MONDO:0009712, OMIM 255320, HP:0003789.
Congenital myopathy with fiber type disproportion. Also called: Congenital fiber-type disproportion; Congenital fiber-type disproportion myopathy. Identifiers: Orphanet 2020, MedGen C0546264, MONDO:0009711. Inheritance: all.
Malignant hyperthermia, susceptibility to, 1 (MHS1). Also called: Anesthesia related hyperthermia; Malignant hyperpyrexia; Fulminating hyperpyrexia; Pharmacogenic myopathy; Malignant hyperthermia suceptibility 1; RYR1-Related Malignant Hyperthermia Susceptibility. Identifiers: Orphanet 423, MedGen C2930980, MONDO:0007783, OMIM 145600.
King Denborough syndrome (KDS). Identifiers: MedGen C1840365, MONDO:0020485, OMIM 619542.
RYR1-related myopathy. Identifiers: Orphanet 98742, MedGen CN305348, MONDO:0100150.
RYR1-related disorder. Also called: RYR1-related condition; RYR1-related disorders. Identifiers: MedGen CN239331.

Allele frequency attached by ClinVar (database versions not stated): gnomAD exomes below 0.00001 and 0.00001; ExAC 0.00001; TOPMed 0.00001.
gnomAD v4.1: 6 of 1,609,564 alleles (0.00037%); highest among the groups gnomAD compares: East Asian, 0.0022%; no homozygotes.

Submissions 1 to 6 of 10:

ClinGen Congenital Myopathies Variant Curation Expert Panel, ClinGen
Classification: Pathogenic for RYR1-related myopathy. Last evaluated: 2024-08-07. Review status: reviewed by expert panel. Criteria: ClinGen CongenMyopathy ACMG Specifications RYR1 AR V1.0.0. Collection method: curation. Allele origin: germline. Inheritance: Autosomal recessive inheritance.
Comment: The c.9472+1G>A (NM_000540.3(RYR1):c.9472+1G>A) variant in RYR1 occurs within the canonical splice donor site (+ 1) of intron 63. It is predicted to cause skipping of biologically-relevant-exon 63, resulting in a frameshift leading to nonsense mediated decay in a gene in which loss-of-function is an established disease mechanism (PVS1). The total grpmax in gnomAD v4.1.0 is 0.00000068 or 0.000068% in the European (non-Finnish) population (3/1179972) (PM2_supporting). The proband with the variants displayed susceptibility to heat hyperthermia, single type 1 congenital neuromuscular disease, and micronuclear myopathy with extraocular muscle paraplegia, features highly specific for autosomal recessive RYR1-related myopathy (PP4; 10.3760/cma.j.cn511374-20200729-00564). In summary, this variant meets the criteria to be classified as pathogenic for autosomal recessive RYR1-related myopathy based on the ACMG/AMP criteria applied, as specified by the ClinGen Congenital Myopathies VCEP: PVS1, PM2_Supporting, PP4 (Congenital Myopathies VCEP specifications Version 1: 8/7/2024).

Ambry Genetics
Classification: Pathogenic for Inborn genetic diseases. Last evaluated: 2026-06-16. Review status: criteria provided, single submitter. Criteria: Ambry Variant Classification Scheme 2023. Collection method: clinical testing. Allele origin: germline. Not counted in ClinVar's aggregate classification.
Comment: The c.9472+1G>A intronic variant consists of a G to A substitution one nucleotide after exon 63 (coding exon 63) of the RYR1 gene. Variants that disrupt the canonical splice site are expected to result in aberrant splicing. A resulting transcript is predicted to be in-frame and is not expected to trigger nonsense-mediated mRNA decay, although direct evidence is unavailable. However, the region predicted to be impacted is critical for protein function and a significant portion of the protein is affected (Ambry internal data). for autosomal recessive RYR1-related myopathy; however, its clinical significance for autosomal dominant RYR1-related myopathy and autosomal dominant RYR1-related malignant hyperthermia susceptibility is uncertain. Based on data from gnomAD, the A allele has an overall frequency of 0.001% (2/245782) total alleles studied. The highest observed frequency was 0.006% (1/18340) of East Asian alleles. This nucleotide position is highly conserved in available vertebrate species. In silico splice site analysis predicts that this alteration will weaken the native splice donor site. Based on the available evidence, this alteration is classified as pathogenic.

PreventionGenetics, part of Exact Sciences
Classification: Pathogenic for RYR1-related condition. Last evaluated: 2026-04-29. Review status: criteria provided, single submitter. Criteria: ACMG Guidelines, 2015. Collection method: clinical testing. Allele origin: germline. Not counted in ClinVar's aggregate classification.
Comment: The RYR1 c.9472+1G>A variant is predicted to disrupt the GT donor site and interfere with normal splicing. This variant has been reported with a RYR1 missense variant in an individual with myopathy (Table S1, Guo et al. 2024. PubMed ID: 37838930). This variant has also been reported in the compound heterozygous state in one case of non-immune hydrops fetalis; however, a co-occurring SOX18 nonsense variant could potentially explain the clinical features (Zhang et al. 2021. PubMed ID: 34625927). This variant was also documented in another case of non-immune hydrops fetalis, although a second plausible causative variant was not identified (Table S3, Gupta et al. 2025. PubMed ID: 40935602). This variant is reported in 0.0055% of alleles in individuals of East Asian descent in gnomAD and interpreted as pathogenic by the ClinGen Congenital Myopathies Variant Curation Expert Panel (Variation ID: 451330). Loss of function variants have been observed for the autosomal recessive myopathy phenotypes and are expected to be pathogenic. However, loss of function variants are not established for autosomal dominant malignant hyperthermia. Taken together, this variant is interpreted as pathogenic for autosomal recessive RYR1-related disorders and interpreted as uncertain for autosomal dominant RYR1-related disorders.

Women's Health and Genetics/Laboratory Corporation of America, LabCorp
Classification: Likely pathogenic for Congenital multicore myopathy with external ophthalmoplegia. Last evaluated: 2025-11-13. Review status: criteria provided, single submitter. Criteria: LabCorp Variant Classification Summary - May 2015. Collection method: clinical testing. Allele origin: germline. Not counted in ClinVar's aggregate classification.
Comment: Variant summary: RYR1 c.9472+1G>A is located in a canonical splice-site and is predicted to affect mRNA splicing resulting in a significantly altered protein due to either exon skipping, shortening, or inclusion of intronic material. Variants that disrupt the consensus splice site are a relatively common cause of aberrant splicing and loss of RYR1 function. Several computational tools predict a significant impact on normal splicing: Three predict the variant abolishes the canonical 5' splicing donor site. One predict the variant no significant impact on splicing. However, these predictions have yet to be confirmed by functional studies. The variant allele was found at a frequency of 8.1e-06 in 245782 control chromosomes. c.9472+1G>A has been observed at a compound heterozygous state along with a VUS change in one individual affected with dystroglycanopathy and ptosis (Guo_2024). It was also seen in trans with a VUS change in a fetus with non-immune hydrops fetalis, co-ocurring with a pathogenic variant in SOX18 which may fully explain the hydrops fetalis phenotype (zhang_2021). To our knowledge, no experimental evidence demonstrating an impact on protein function has been reported. The following publications have been ascertained in the context of this evaluation (PMID: 34625927, 37838930). ClinVar contains an entry for this variant (Variation ID: 451330). Based on the evidence outlined above, the variant was classified as likely pathogenic.

Genomic Medicine Center of Excellence, King Faisal Specialist Hospital and Research Centre
Classification: Pathogenic for Central core myopathy. Last evaluated: 2025-09-10. Review status: criteria provided, single submitter. Criteria: ACMG Guidelines, 2015. Collection method: clinical testing. Allele origin: germline. Not counted in ClinVar's aggregate classification.

Labcorp Genetics (formerly Invitae), Labcorp
Classification: Likely pathogenic for RYR1-related disorder. Last evaluated: 2025-01-24. Review status: criteria provided, single submitter. Criteria: Invitae Variant Classification Sherloc (09022015). Collection method: clinical testing. Allele origin: germline. Not counted in ClinVar's aggregate classification.
Comment: This sequence change affects a donor splice site in intron 63 of the RYR1 gene. It is expected to disrupt RNA splicing. Variants that disrupt the donor or acceptor splice site typically lead to a loss of protein function (PMID: 16199547), and loss-of-function variants in RYR1 are known to be pathogenic (PMID: 23919265, 25960145, 28818389, 30611313). This variant is present in population databases (rs776697656, gnomAD 0.006%). Disruption of this splice site has been observed in individual(s) with autosomal recessive RYR1-related myopathy and/or hydrops fetalis (PMID: 34625927, 37838930). ClinVar contains an entry for this variant (Variation ID: 451330). Algorithms developed to predict the effect of sequence changes on RNA splicing suggest that this variant may disrupt the consensus splice site. In summary, the currently available evidence indicates that the variant is pathogenic, but additional data are needed to prove that conclusively. Therefore, this variant has been classified as Likely Pathogenic.